The following is an entry in ClinVar:

ClinVar aggregate classification (germline): Benign. Review status: criteria provided, multiple submitters, no conflicts (2 of 4 stars). 4 submissions from 3 submitters: Benign (4). Last evaluated 2021-07-01.

Conditions:
Usher syndrome type 1D (USH1D). Also called: USHER SYNDROME, TYPE ID. Identifiers: Orphanet 231169, Orphanet 886, MedGen C1832845, MONDO:0010984, OMIM 601067.
Autosomal recessive nonsyndromic hearing loss 12. Also called: DEAFNESS, AUTOSOMAL RECESSIVE 12. Identifiers: Orphanet 90636, MedGen C1832394, MONDO:0011067, OMIM 601386.

Allele frequency attached by ClinVar (database versions not stated): TOPMed 0.24570; gnomAD 0.25536 and 0.26066; 1000 Genomes Project 30x 0.29544; 1000 Genomes Project 0.29653.
gnomAD v4.1: 343,892 of 1,291,240 alleles (27%); highest among the groups gnomAD compares: South Asian, 36%; 47,113 homozygotes.

Submissions (4):

Genome-Nilou Lab
Classification: Benign for Usher syndrome type 1D. Last evaluated: 2021-07-01. Review status: criteria provided, single submitter. Criteria: ACMG Guidelines, 2015. Collection method: clinical testing. Allele origin: germline. Affected: no.

Genome-Nilou Lab
Classification: Benign for Autosomal recessive nonsyndromic hearing loss 12. Last evaluated: 2021-07-01. Review status: criteria provided, single submitter. Criteria: ACMG Guidelines, 2015. Collection method: clinical testing. Allele origin: germline. Affected: no.

GeneDx
Classification: Benign. Last evaluated: 2018-06-13. Review status: criteria provided, single submitter. Criteria: GeneDx Variant Classification (06012015). Collection method: clinical testing. Allele origin: germline. Affected: yes.
Comment: This variant is considered likely benign or benign based on one or more of the following criteria: it is a conservative change, it occurs at a poorly conserved position in the protein, it is predicted to be benign by multiple in silico algorithms, and/or has population frequency not consistent with disease.

Breakthrough Genomics
Classification: Benign. Review status: criteria provided, single submitter. Criteria: ACMG Guidelines, 2015. Collection method: not provided. Allele origin: germline. Inheritance: Autosomal recessive inheritance. Affected: yes.

NM_022124.6(CDH23):c.2059+79C>T

Gene: CDH23 (cadherin related 23; plus strand). Cytogenetic location: 10q22.1.
Variant type: single nucleotide variant.
Coding change: c.2059+79C>T on transcript NM_022124.6 (MANE Select); 79 bases into the intron after coding-DNA position 2059, C replaced by T.
Molecular consequence: intron variant.
Genome position (GRCh38, 1-based): chr10:71,687,798, C>T. VCF-style: chr10-71687798-C-T. GRCh37 (hg19) VCF-style: chr10-73447555-C-T.
Other names: c.2059+79C>T (NM_001171930.2, NM_001171931.2).
Identifiers: ClinVar variation 678782 (VCV000678782.5), dbSNP rs1227086, ClinGen allele CA13159403.